The following is an entry in ClinVar:

NM_032409.3(PINK1):c.1606G>T (p.Ala536Ser)

Genes: PINK1 (PTEN induced kinase 1; plus strand), PINK1-AS (PINK1 antisense RNA; minus strand). Cytogenetic location: 1p36.12.
Variant type: single nucleotide variant.
Coding change: c.1606G>T on transcript NM_032409.3 (MANE Select); coding-DNA position 1606, G replaced by T.
Protein change: p.Ala536Ser; replaces alanine 536 with serine.
Molecular consequence: missense variant. On other transcripts: non-coding transcript variant (1).
Genome position (GRCh38, 1-based): chr1:20,650,551, G>T. VCF-style: chr1-20650551-G-T. GRCh37 (hg19) VCF-style: chr1-20977044-G-T.
Other names: short protein forms A536S.
Identifiers: ClinVar variation 1431892 (VCV001431892.6), dbSNP rs1265322947, ClinGen allele CA338840626.

ClinVar aggregate classification (germline): Uncertain significance (1 of 4 stars; one submission).

Conditions:
Autosomal recessive early-onset Parkinson disease 6 (PARK6). Also called: PINK1 Type of Young-Onset Parkinson Disease; PARKINSON DISEASE 6, MODIFIER OF; PINK1-Related Parkinson Disease; PARKINSON DISEASE 6, EARLY-ONSET. Identifiers: Orphanet 2828, MedGen C1853833, MONDO:0011613, OMIM 605909.

Allele frequency attached by ClinVar (database versions not stated): TOPMed below 0.00001; gnomAD 0.00001; gnomAD exomes 0.00001.
gnomAD v4.1: 10 of 1,614,122 alleles (0.00062%); highest among the groups gnomAD compares: Non-Finnish European, 0.00085%; no homozygotes.

Submission:

Labcorp Genetics (formerly Invitae), Labcorp
Classification: Uncertain significance for Autosomal recessive early-onset Parkinson disease 6. Last evaluated: 2025-06-20. Review status: criteria provided, single submitter. Criteria: Invitae Variant Classification Sherloc (09022015). Collection method: clinical testing. Allele origin: germline.
Comment: This sequence change replaces alanine, which is neutral and non-polar, with serine, which is neutral and polar, at codon 536 of the PINK1 protein (p.Ala536Ser). This variant is present in population databases (no rsID available, gnomAD 0.007%). This variant has not been reported in the literature in individuals affected with PINK1-related conditions. ClinVar contains an entry for this variant (Variation ID: 1431892). Invitae Evidence Modeling of protein sequence and biophysical properties (such as structural, functional, and spatial information, amino acid conservation, physicochemical variation, residue mobility, and thermodynamic stability) has been performed for this missense variant. However, the output from this modeling did not meet the statistical confidence thresholds required to predict the impact of this variant on PINK1 protein function. In summary, the available evidence is currently insufficient to determine the role of this variant in disease. Therefore, it has been classified as a Variant of Uncertain Significance.